The following is an entry in ClinVar:

ClinVar aggregate classification (germline): Uncertain significance (1 of 4 stars; one submission).

Conditions:
Cardiovascular phenotype. Identifiers: MedGen CN230736.
Hereditary cancer-predisposing syndrome. Also called: Tumor predisposition; Hereditary neoplastic syndrome; Neoplastic Syndromes, Hereditary; Hereditary Cancer Syndrome. Identifiers: Orphanet 140162, MedGen C0027672, MeSH D009386, MONDO:0015356.

Submission:

Ambry Genetics
Classification: Uncertain significance for Cardiovascular phenotype; Hereditary cancer-predisposing syndrome. Last evaluated: 2025-04-25. Review status: criteria provided, single submitter. Criteria: Ambry Variant Classification Scheme 2023. Collection method: clinical testing. Allele origin: germline.
Comment: The p.S33R variant (also known as c.99C>A), located in coding exon 1 of the LZTR1 gene, results from a C to A substitution at nucleotide position 99. The serine at codon 33 is replaced by arginine, an amino acid with dissimilar properties. This amino acid position is conserved. In addition, the in silico prediction for this alteration is inconclusive. Based on the available evidence, the clinical significance of this variant remains unclear.

NM_006767.4(LZTR1):c.99C>A (p.Ser33Arg)

Genes: LZTR1 (leucine zipper like post translational regulator 1; plus strand), LOC130067016 (ATAC-STARR-seq lymphoblastoid silent region 13504; plus strand). Cytogenetic location: 22q11.21.
Variant type: single nucleotide variant.
Coding change: c.99C>A on transcript NM_006767.4 (MANE Select); coding-DNA position 99, C replaced by A.
Protein change: p.Ser33Arg; replaces serine 33 with arginine.
Molecular consequence: missense variant.
Genome position (GRCh38, 1-based): chr22:20,982,470, C>A. VCF-style: chr22-20982470-C-A. GRCh37 (hg19) VCF-style: chr22-21336759-C-A.
Other names: short protein forms S33R.
Identifiers: ClinVar variation 3992581 (VCV003992581.1).